The following is an entry in ClinVar:

NM_000548.5(TSC2):c.5109G>C (p.Val1703=)

Gene: TSC2 (TSC complex subunit 2; plus strand). Cytogenetic location: 16p13.3.
Variant type: single nucleotide variant.
Coding change: c.5109G>C on transcript NM_000548.5 (MANE Select); coding-DNA position 5109, G replaced by C.
Protein change: p.Val1703=; no amino-acid change (valine 1703 retained).
Molecular consequence: synonymous variant.
Genome position (GRCh38, 1-based): chr16:2,088,088, G>C. VCF-style: chr16-2088088-G-C. GRCh37 (hg19) VCF-style: chr16-2138089-G-C.
Other names: c.4908G>C, p.Val1636= (NM_001077183.3); c.5040G>C, p.Val1680= (NM_001114382.3); c.4800G>C, p.Val1600= (NM_001318827.2); c.4764G>C, p.Val1588= (NM_001318829.2); c.4377G>C, p.Val1459= (NM_001318831.2); c.4941G>C, p.Val1647= (NM_001318832.2); c.4911G>C, p.Val1637= (NM_001363528.2); c.4977G>C, p.Val1659= (NM_001370404.1); and 1 more.
Identifiers: ClinVar variation 413715 (VCV000413715.21), dbSNP rs770413433, ClinGen allele CA053961.
Genomic context (GRCh38, chr16:2,088,088, plus strand): 5'-TGACCACCAAGTCTCCCCAGACATGGAGGGCCTTGTGGACACCAGCGTGGCCAAGATCGT[G>C]TCTGACCGCAACCTGCCCTTCGTGGCCCGCCAGATGGCCCTGCACGCAAATGTGAGTGGG-3'
Protein context (NP_000539.2, residues 1693-1713): GLVDTSVAKI[Val1703=]SDRNLPFVAR

ClinVar aggregate classification (germline): Benign/Likely benign. Review status: criteria provided, multiple submitters, no conflicts (2 of 4 stars). 5 submissions from 5 submitters: Benign (2); Likely benign (3). Last evaluated 2025-12-17.

Conditions:
Tuberous sclerosis syndrome (TSC). Also called: Tuberous Sclerosis Complex; Tuberous sclerosis. Identifiers: Orphanet 805, MedGen C0041341, MONDO:0001734.
Hereditary cancer-predisposing syndrome. Also called: Tumor predisposition; Neoplastic Syndromes, Hereditary; Hereditary Cancer Syndrome; Hereditary neoplastic syndrome. Identifiers: Orphanet 140162, MedGen C0027672, MeSH D009386, MONDO:0015356.
Tuberous sclerosis 2 (TSC2). Identifiers: Orphanet 805, MedGen C1860707, MONDO:0013199, OMIM 613254.

Allele frequency attached by ClinVar (database versions not stated): gnomAD exomes below 0.00001; ExAC 0.00001; TOPMed 0.00001.

Submissions (5):

Labcorp Genetics (formerly Invitae), Labcorp
Classification: Likely benign for Tuberous sclerosis 2. Last evaluated: 2025-12-17. Review status: criteria provided, single submitter. Criteria: Invitae Variant Classification Sherloc (09022015). Collection method: clinical testing. Allele origin: germline.

Myriad Genetics, Inc.
Classification: Benign for Tuberous sclerosis 2. Last evaluated: 2025-06-06. Review status: criteria provided, single submitter. Criteria: Myriad Autosomal Dominant, Autosomal Recessive and X-Linked Classification Criteria (2023). Collection method: clinical testing. Allele origin: unknown.
Comment: This variant is considered benign. This variant is a silent/synonymous amino acid change and it is not expected to impact splicing.

All of Us Research Program, National Institutes of Health
Classification: Likely benign for Tuberous sclerosis syndrome. Last evaluated: 2023-11-28. Review status: criteria provided, single submitter. Criteria: ACMG Guidelines, 2015. Collection method: clinical testing. Allele origin: germline. Inheritance: Autosomal dominant inheritance. Observed: 3 variant alleles, 3 heterozygotes.
Comment: This study involves interpretation of variants in research participants for the purpose of population health screening. Participant phenotype was not available at the time of variant classification. Additional details can be found in publication PMID: 35346344, PMCID: PMC8962531

Genome-Nilou Lab
Classification: Benign for Tuberous sclerosis 2. Last evaluated: 2021-11-07. Review status: criteria provided, single submitter. Criteria: ACMG Guidelines, 2015. Collection method: clinical testing. Allele origin: germline. Affected: no.

Ambry Genetics
Classification: Likely benign for Hereditary cancer-predisposing syndrome. Last evaluated: 2016-07-14. Review status: criteria provided, single submitter. Criteria: Ambry Variant Classification Scheme 2023. Collection method: clinical testing. Allele origin: germline.